The following is an entry in ClinVar:

NM_001271.4(CHD2):c.4907-15T>A

Gene: CHD2 (chromodomain helicase DNA binding protein 2; plus strand). Cytogenetic location: 15q26.1.
Variant type: single nucleotide variant.
Coding change: c.4907-15T>A on transcript NM_001271.4 (MANE Select); 15 bases into the intron before coding-DNA position 4907, T replaced by A.
Molecular consequence: intron variant.
Genome position (GRCh38, 1-based): chr15:93,019,997, T>A. VCF-style: chr15-93019997-T-A. GRCh37 (hg19) VCF-style: chr15-93563227-T-A.
Identifiers: ClinVar variation 385487 (VCV000385487.11), dbSNP rs372145426, ClinGen allele CA7748594.

ClinVar aggregate classification (germline): Likely benign. Review status: criteria provided, multiple submitters, no conflicts (2 of 4 stars). 3 submissions from 3 submitters: Likely benign (3). Last evaluated 2025-12-15.

Conditions:
Developmental and epileptic encephalopathy 94 (DEE94). Also called: CHD2-Related Neurodevelopmental Disorders; Epileptic encephalopathy, childhood-onset. Identifiers: Orphanet 1942, Orphanet 2382, MedGen C3809278, MONDO:0014150, OMIM 615369.

Allele frequency attached by ClinVar (database versions not stated): ExAC 0.00003; TOPMed 0.00003; gnomAD 0.00006; ESP Exome Variant Server 0.00015.
gnomAD v4.1: 58 of 1,603,826 alleles (0.0036%); highest among the groups gnomAD compares: Non-Finnish European, 0.0045%; no homozygotes.

Submissions (4):

Labcorp Genetics (formerly Invitae), Labcorp
Classification: Likely benign for Developmental and epileptic encephalopathy 94. Last evaluated: 2025-12-15. Review status: criteria provided, single submitter. Criteria: Invitae Variant Classification Sherloc (09022015). Collection method: clinical testing. Allele origin: germline.

Blueprint Genetics
Classification: Likely benign. Last evaluated: 2024-07-10. Review status: criteria provided, single submitter. Criteria: ACMG Guidelines, 2015. Collection method: clinical testing. Allele origin: germline.

GeneDx
Classification: Likely benign. Last evaluated: 2016-04-19. Review status: criteria provided, single submitter. Criteria: GeneDx Variant Classification (06012015). Collection method: clinical testing. Allele origin: germline. Affected: yes.
Comment: This variant is considered likely benign or benign based on one or more of the following criteria: it is a conservative change, it occurs at a poorly conserved position in the protein, it is predicted to be benign by multiple in silico algorithms, and/or has population frequency not consistent with disease.

Dr. Peter K. Rogan Lab, Western University
No classification provided (evidence only). Condition: Familial cancer of breast. Review status: no classification provided. Collection method: in vitro. Allele origin: not applicable. Functional consequence: retained intron. Not counted in ClinVar's aggregate classification.